The following is an entry in ClinVar:

ClinVar aggregate classification (germline): Uncertain significance (1 of 4 stars; one submission).

Conditions:
Juvenile polyposis syndrome (JPS). Identifiers: Orphanet 2929, MedGen C0345893, MONDO:0017380, OMIM 174900.

Submission:

Labcorp Genetics (formerly Invitae), Labcorp
Classification: Uncertain significance for Juvenile polyposis syndrome. Last evaluated: 2022-07-15. Review status: criteria provided, single submitter. Criteria: Invitae Variant Classification Sherloc (09022015). Collection method: clinical testing. Allele origin: germline.
Comment: ClinVar contains an entry for this variant (Variation ID: 1498629). In summary, the available evidence is currently insufficient to determine the role of this variant in disease. Therefore, it has been classified as a Variant of Uncertain Significance. Algorithms developed to predict the effect of sequence changes on RNA splicing suggest that this variant may create or strengthen a splice site. Advanced modeling of protein sequence and biophysical properties (such as structural, functional, and spatial information, amino acid conservation, physicochemical variation, residue mobility, and thermodynamic stability) performed at Invitae indicates that this missense variant is not expected to disrupt SMAD4 protein function. This variant has not been reported in the literature in individuals affected with SMAD4-related conditions. This variant is not present in population databases (gnomAD no frequency). This sequence change replaces glycine, which is neutral and non-polar, with alanine, which is neutral and non-polar, at codon 243 of the SMAD4 protein (p.Gly243Ala).

NM_005359.6(SMAD4):c.728G>C (p.Gly243Ala)

Gene: SMAD4 (SMAD family member 4; plus strand). Cytogenetic location: 18q21.2.
Variant type: single nucleotide variant.
Coding change: c.728G>C on transcript NM_005359.6 (MANE Select); coding-DNA position 728, G replaced by C.
Protein change: p.Gly243Ala; replaces glycine 243 with alanine.
Molecular consequence: missense variant.
Genome position (GRCh38, 1-based): chr18:51,058,185, G>C. VCF-style: chr18-51058185-G-C. GRCh37 (hg19) VCF-style: chr18-48584555-G-C.
Other names: short protein forms G243A.
Identifiers: ClinVar variation 1498629 (VCV001498629.8), dbSNP rs2144427170, ClinGen allele CA402462855.